The following is an entry in ClinVar:

NM_007186.6(CEP250):c.3349T>A (p.Phe1117Ile)

Gene: CEP250 (centrosomal protein 250; plus strand). Cytogenetic location: 20q11.22.
Variant type: single nucleotide variant.
Coding change: c.3349T>A on transcript NM_007186.6 (MANE Select); coding-DNA position 3349, T replaced by A.
Protein change: p.Phe1117Ile; replaces phenylalanine 1117 with isoleucine.
Molecular consequence: missense variant.
Genome position (GRCh38, 1-based): chr20:35,497,761, T>A. VCF-style: chr20-35497761-T-A. GRCh37 (hg19) VCF-style: chr20-34085590-T-A.
Other names: c.1453T>A, p.Phe485Ile (NM_001318219.1); short protein forms F1117I, F485I.
Identifiers: ClinVar variation 1490384 (VCV001490384.8), dbSNP rs2147106362, ClinGen allele CA408743799.

ClinVar aggregate classification (germline): Uncertain significance (1 of 4 stars; one submission).

Submission:

Labcorp Genetics (formerly Invitae), Labcorp
Classification: Uncertain significance. Last evaluated: 2022-07-19. Review status: criteria provided, single submitter. Criteria: Invitae Variant Classification Sherloc (09022015). Collection method: clinical testing. Allele origin: germline.
Comment: Algorithms developed to predict the effect of missense changes on protein structure and function are either unavailable or do not agree on the potential impact of this missense change (SIFT: "Not Available"; PolyPhen-2: "Possibly Damaging"; Align-GVGD: "Not Available"). ClinVar contains an entry for this variant (Variation ID: 1490384). This variant has not been reported in the literature in individuals affected with CEP250-related conditions. This variant is not present in population databases (gnomAD no frequency). This sequence change replaces phenylalanine, which is neutral and non-polar, with isoleucine, which is neutral and non-polar, at codon 1117 of the CEP250 protein (p.Phe1117Ile). In summary, the available evidence is currently insufficient to determine the role of this variant in disease. Therefore, it has been classified as a Variant of Uncertain Significance.